The following is an entry in ClinVar:

ClinVar aggregate classification (germline): Uncertain significance (1 of 4 stars; one submission).

Conditions:
Dystonia 12 (DYT12). Also called: DYT-ATP1A3; Rapid-Onset Dystonia-Parkinsonism (RDP). Identifiers: Orphanet 71517, MedGen C1868681, MONDO:0007496, OMIM 128235.

Submission:

Labcorp Genetics (formerly Invitae), Labcorp
Classification: Uncertain significance for Dystonia 12. Last evaluated: 2023-11-02. Review status: criteria provided, single submitter. Criteria: Invitae Variant Classification Sherloc (09022015). Collection method: clinical testing. Allele origin: germline.
Comment: This sequence change replaces alanine, which is neutral and non-polar, with proline, which is neutral and non-polar, at codon 599 of the ATP1A3 protein (p.Ala599Pro). This variant is not present in population databases (gnomAD no frequency). This variant has not been reported in the literature in individuals affected with ATP1A3-related conditions. Advanced modeling of protein sequence and biophysical properties (such as structural, functional, and spatial information, amino acid conservation, physicochemical variation, residue mobility, and thermodynamic stability) performed at Invitae indicates that this missense variant is expected to disrupt ATP1A3 protein function with a positive predictive value of 95%. In summary, the available evidence is currently insufficient to determine the role of this variant in disease. Therefore, it has been classified as a Variant of Uncertain Significance.

NM_152296.5(ATP1A3):c.1795G>C (p.Ala599Pro)

Gene: ATP1A3 (ATPase Na+/K+ transporting subunit alpha 3; minus strand). Cytogenetic location: 19q13.2.
Variant type: single nucleotide variant.
Coding change: c.1795G>C on transcript NM_152296.5 (MANE Select); coding-DNA position 1795, G replaced by C.
Protein change: p.Ala599Pro; replaces alanine 599 with proline.
Molecular consequence: missense variant.
Genome position (GRCh38, 1-based): chr19:41,978,162, C>G on the plus strand (G>C on the coding strand, the complement: ATP1A3 is on the minus strand). VCF-style: chr19-41978162-C-G. GRCh37 (hg19) VCF-style: chr19-42482314-C-G.
Other names: c.1828G>C, p.Ala610Pro (NM_001256213.2); c.1834G>C, p.Ala612Pro (NM_001256214.2); short protein forms A599P, A612P, A610P.
Identifiers: ClinVar variation 2692694 (VCV002692694.3), dbSNP rs1057519113, ClinGen allele CA406045415.